The following is an entry in ClinVar:

NM_178857.6(RP1L1):c.5959C>T (p.Gln1987Ter)

Gene: RP1L1 (RP1 like 1). Cytogenetic location: 8p23.1.
Variant type: single nucleotide variant.
Coding change: c.5959C>T on transcript NM_178857.6 (MANE Select); coding-DNA position 5959, C replaced by T.
Protein change: p.Gln1987Ter; replaces glutamine 1987 with a stop codon.
Molecular consequence: nonsense.
Genome position (GRCh38, 1-based): chr8:10,608,139, G>A on the plus strand (C>T on the coding strand, the complement: RP1L1 is on the minus strand). VCF-style: chr8-10608139-G-A. GRCh37 (hg19) VCF-style: chr8-10465649-G-A.
Other names: short protein forms Q1987*.
Identifiers: ClinVar variation 425431 (VCV000425431.61), dbSNP rs200846354, ClinGen allele CA4623490.

ClinVar aggregate classification (germline): Conflicting classifications of pathogenicity. Review status: criteria provided, conflicting classifications (1 of 4 stars). 10 submissions from 10 submitters: Uncertain significance (7); Benign (1); Likely benign (1). 1 of the submissions does not count toward it. Last evaluated 2025-03-05.

Conditions:
Retinal dystrophy. Also called: Inherited retinal dystrophy. Identifiers: Orphanet 71862, MedGen C0854723, MeSH D058499, MONDO:0019118, HP:0000556.
Autosomal recessive retinitis pigmentosa. Identifiers: MedGen C0339526.
Occult macular dystrophy (OCMD). Also called: OMD; OCCULT MACULAR DYSTROPHY, SUSCEPTIBILITY TO. Identifiers: Orphanet 247834, MedGen C3150833, MONDO:0013316, OMIM 613587, HP:0030636.
Retinitis pigmentosa 88. Identifiers: MedGen C5394208, MONDO:0032940, OMIM 618826.

Allele frequency attached by ClinVar (database versions not stated): 1000 Genomes Project 30x 0.00016; 1000 Genomes Project 0.00020; gnomAD 0.00119 and 0.00124; ExAC 0.00156; gnomAD exomes 0.00159 and 0.00163; ESP Exome Variant Server 0.00195.
gnomAD v4.1: 2,534 of 1,613,080 alleles (0.16%); highest among the groups gnomAD compares: Middle Eastern, 0.61%; 8 homozygotes.

Submissions (10):

Revvity Omics, Revvity
Classification: Uncertain significance. Last evaluated: 2025-03-05. Review status: criteria provided, single submitter. Criteria: ACMG Guidelines, 2015. Collection method: clinical testing. Allele origin: germline.

Dasa
Classification: Uncertain significance. Last evaluated: 2025-01-15. Review status: criteria provided, single submitter. Criteria: DASA Assertion Criteria. Collection method: clinical testing. Allele origin: germline.
Comment: NM_178857.6(RP1L1):c.5959C>T (p.Gln1987Ter) is a nonsense variant in RP1L1 predicted to introduce a premature termination codon and is predicted to result in an absent or altered protein product. This classification is supported by population frequency inconsistent with a disease-causing role. The currently available literature and clinical evidence are not sufficient to establish a definitive association between this variant and the reported condition. Therefore, this variant is classified as a variant of uncertain significance.

Blueprint Genetics
Classification: Likely benign. Last evaluated: 2024-11-27. Review status: criteria provided, single submitter. Criteria: ACMG Guidelines, 2015. Collection method: clinical testing. Allele origin: germline.

Department of Pathology and Laboratory Medicine, Sinai Health System
Classification: Uncertain significance for Occult macular dystrophy; Retinitis pigmentosa 88. Last evaluated: 2023-06-28. Review status: criteria provided, single submitter. Criteria: ACMG Guidelines, 2015. Collection method: research. Allele origin: germline.

Institute of Human Genetics, Univ. Regensburg, Univ. Regensburg
Classification: Uncertain significance for Retinal dystrophy. Last evaluated: 2023-01-01. Review status: criteria provided, single submitter. Criteria: ACMG Guidelines, 2015. Collection method: clinical testing. Allele origin: germline. Affected: yes.

Mendelics
Classification: Uncertain significance for Occult macular dystrophy. Last evaluated: 2019-05-28. Review status: criteria provided, single submitter. Criteria: Mendelics Assertion Criteria 2017. Collection method: clinical testing. Allele origin: unknown.

CeGaT Center for Human Genetics Tuebingen
Classification: Uncertain significance. Last evaluated: 2018-05-01. Review status: criteria provided, single submitter. Criteria: CeGaT Center For Human Genetics Tuebingen Variant Classification Criteria Version 2. Collection method: clinical testing. Allele origin: germline. Affected: yes. Observed: 3 variant alleles.

Illumina Laboratory Services, Illumina
Classification: Benign for Occult macular dystrophy. Last evaluated: 2018-01-31. Review status: criteria provided, single submitter. Criteria: ICSL Variant Classification Criteria 13 December 2019. Collection method: clinical testing. Allele origin: germline.
Comment: This variant was observed as part of a predisposition screen in an ostensibly healthy population. A literature search was performed for the gene, cDNA change, and amino acid change (where applicable). Publications were found based on this search. The evidence from the literature, in combination with allele frequency data from public databases where available, was sufficient to rule this variant out of causing disease. Therefore, this variant is classified as benign.

Eurofins Ntd Llc (ga)
Classification: Uncertain significance. Last evaluated: 2017-05-26. Review status: criteria provided, single submitter. Criteria: EGL Classification Definitions 2015. Collection method: clinical testing. Allele origin: germline. Observed: 2 variant alleles, 2 heterozygotes.

Faculty of Health Sciences, Beirut Arab University
Classification: Pathogenic for Autosomal recessive Retinitis Pigmentosa. Last evaluated: 2015-09-10. Review status: no assertion criteria provided. Collection method: literature only. Allele origin: germline. Affected: yes. Observed: 1 variant allele. Not counted in ClinVar's aggregate classification.

Literature cited by the submitters: PubMed 26355662 (cited by 3 submitters); PubMed 30025130 (cited by Institute of Human Genetics, Univ. Regensburg, Univ. Regensburg); PubMed 34354232 (cited by Institute of Human Genetics, Univ. Regensburg, Univ. Regensburg); PubMed 34426522 (cited by Institute of Human Genetics, Univ. Regensburg, Univ. Regensburg); PubMed 36819107 (cited by Institute of Human Genetics, Univ. Regensburg, Univ. Regensburg); PubMed 22277662 (cited by Illumina Laboratory Services, Illumina).